The following is an entry in ClinVar:

NM_022173.4(TIA1):c.187T>C (p.Leu63=)

Gene: TIA1 (TIA1 cytotoxic granule associated RNA binding protein; minus strand). Cytogenetic location: 2p13.3.
Variant type: single nucleotide variant.
Coding change: c.187T>C on transcript NM_022173.4 (MANE Select); coding-DNA position 187, T replaced by C.
Protein change: p.Leu63=; no amino-acid change (leucine 63 retained).
Molecular consequence: synonymous variant. On other transcripts: 5 prime UTR variant (6), non-coding transcript variant (17).
Genome position (GRCh38, 1-based): chr2:70,230,791, A>G on the plus strand (T>C on the coding strand, the complement: TIA1 is on the minus strand). VCF-style: chr2-70230791-A-G. GRCh37 (hg19) VCF-style: chr2-70457923-A-G.
Other names: c.187T>C, p.Leu63= (NM_001351508.2, NM_001351510.2, NM_001351516.2 and 5 more transcripts); c.193T>C, p.Leu65= (NM_001351509.2, NM_001351520.2); c.76T>C, p.Leu26= (NM_001351511.1, NM_001351513.1); c.82T>C, p.Leu28= (NM_001351512.1); c.-9T>C (NM_001351514.2, NM_001351523.2); c.-203T>C (NM_001351515.2); c.-452T>C (NM_001351517.2); c.-229T>C (NM_001351524.2); and 1 more.
Identifiers: ClinVar variation 705011 (VCV000705011.13), dbSNP rs374166300, ClinGen allele CA1697706.

ClinVar aggregate classification (germline): Likely benign. Review status: criteria provided, multiple submitters, no conflicts (2 of 4 stars). 3 submissions from 3 submitters: Likely benign (2). 1 of the submissions does not count toward it. Last evaluated 2026-01-16.

Conditions:
Welander distal myopathy (WDM). Also called: MUSCULAR DYSTROPHY, DISTAL, LATE-ONSET, AUTOSOMAL DOMINANT; Gower's muscular dystrophy; Welander distal myopathy, Swedish type; Distal myopathy, Swedish type. Identifiers: Orphanet 603, MedGen C0221054, MONDO:0011466, OMIM 604454.
TIA1-related disorder. Also called: TIA1-related condition.

Allele frequency attached by ClinVar (database versions not stated): gnomAD exomes 0.00003 and 0.00009; ExAC 0.00007; ESP Exome Variant Server 0.00008; TOPMed 0.00008; gnomAD 0.00010 and 0.00011.
gnomAD v4.1: 118 of 1,612,332 alleles (0.0073%); highest among the groups gnomAD compares: East Asian, 0.049%; 1 homozygote.

Submissions (3):

Labcorp Genetics (formerly Invitae), Labcorp
Classification: Likely benign for Welander distal myopathy. Last evaluated: 2026-01-16. Review status: criteria provided, single submitter. Criteria: Invitae Variant Classification Sherloc (09022015). Collection method: clinical testing. Allele origin: germline.

Blueprint Genetics
Classification: Likely benign. Last evaluated: 2024-10-16. Review status: criteria provided, single submitter. Criteria: ACMG Guidelines, 2015. Collection method: clinical testing. Allele origin: germline.

PreventionGenetics, part of Exact Sciences
Classification: Likely benign for TIA1-related condition. Last evaluated: 2019-08-01. Review status: no assertion criteria provided. Collection method: clinical testing. Allele origin: germline. Not counted in ClinVar's aggregate classification.
Comment: This variant is classified as likely benign based on ACMG/AMP sequence variant interpretation guidelines (Richards et al. 2015 PMID: 25741868, with internal and published modifications).